The following is an entry in ClinVar:

ClinVar aggregate classification (germline): Uncertain significance (1 of 4 stars; one submission).

Conditions:
Klippel-Feil syndrome 1, autosomal dominant (KFS1). Also called: CERVICAL VERTEBRAL FUSION, AUTOSOMAL DOMINANT. Identifiers: Orphanet 2345, MedGen C1861689, MONDO:0007306, OMIM 118100.
Isolated microphthalmia 4. Identifiers: Orphanet 2542, MedGen C2751307, MONDO:0013130, OMIM 613094.
Microphthalmia, isolated, with coloboma 6 (MCOPCB6). Also called: MICROPHTHALMIA/COLOBOMA 6; Microphthalmia with coloboma 6, digenic; Microphthalmia with coloboma 6. Identifiers: Orphanet 98938, MedGen C3150968, MONDO:0013376, OMIM 613703.
Leber congenital amaurosis 17 (LCA17). Identifiers: Orphanet 65, MedGen C3715164, MONDO:0014145, OMIM 615360.

Submission:

Labcorp Genetics (formerly Invitae), Labcorp
Classification: Uncertain significance for Isolated microphthalmia 4; Leber congenital amaurosis 17; Klippel-Feil syndrome 1, autosomal dominant; Microphthalmia, isolated, with coloboma 6. Last evaluated: 2022-08-30. Review status: criteria provided, single submitter. Criteria: Invitae Variant Classification Sherloc (09022015). Collection method: clinical testing. Allele origin: germline.
Comment: This variant is not present in population databases (gnomAD no frequency). This variant has not been reported in the literature in individuals affected with GDF6-related conditions. Algorithms developed to predict the effect of missense changes on protein structure and function (SIFT, PolyPhen-2, Align-GVGD) all suggest that this variant is likely to be tolerated. In summary, the available evidence is currently insufficient to determine the role of this variant in disease. Therefore, it has been classified as a Variant of Uncertain Significance. This sequence change replaces proline, which is neutral and non-polar, with alanine, which is neutral and non-polar, at codon 320 of the GDF6 protein (p.Pro320Ala).

NM_001001557.4(GDF6):c.958C>G (p.Pro320Ala)

Gene: GDF6 (growth differentiation factor 6; minus strand). Cytogenetic location: 8q22.1.
Variant type: single nucleotide variant.
Coding change: c.958C>G on transcript NM_001001557.4 (MANE Select); coding-DNA position 958, C replaced by G.
Protein change: p.Pro320Ala; replaces proline 320 with alanine.
Molecular consequence: missense variant.
Genome position (GRCh38, 1-based): chr8:96,144,973, G>C on the plus strand (C>G on the coding strand, the complement: GDF6 is on the minus strand). VCF-style: chr8-96144973-G-C. GRCh37 (hg19) VCF-style: chr8-97157201-G-C.
Other names: short protein forms P320A.
Identifiers: ClinVar variation 1718380 (VCV001718380.5), dbSNP rs2487829940, ClinGen allele CA371751444.